The following is an entry in ClinVar:

ClinVar aggregate classification (germline): Pathogenic/Likely pathogenic. Review status: criteria provided, multiple submitters, no conflicts (2 of 4 stars). 4 submissions from 4 submitters: Pathogenic (2); Likely pathogenic (2). Last evaluated 2025-05-05.

Conditions:
RCBTB1-related disorder. Also called: RCBTB1-related condition.
RCBTB1-related retinopathy. Also called: Retinal dystrophy with or without extraocular anomalies. Identifiers: MedGen C4310680, MONDO:0014955, OMIM 617175.

Submissions (4):

Labcorp Genetics (formerly Invitae), Labcorp
Classification: Pathogenic. Last evaluated: 2025-05-05. Review status: criteria provided, single submitter. Criteria: Invitae Variant Classification Sherloc (09022015). Collection method: clinical testing. Allele origin: germline.
Comment: This sequence change creates a premature translational stop signal (p.Gly57Glufs*12) in the RCBTB1 gene. It is expected to result in an absent or disrupted protein product. Loss-of-function variants in RCBTB1 are known to be pathogenic (PMID: 31494449). This variant is present in population databases (rs767690421, gnomAD 0.04%). This premature translational stop signal has been observed in individual(s) with clinical features of late onset retinal dystrophy (PMID: 31494449). ClinVar contains an entry for this variant (Variation ID: 840798). For these reasons, this variant has been classified as Pathogenic.

SingHealth Duke-NUS Institute of Precision Medicine
Classification: Likely pathogenic for RCBTB1-related retinopathy. Last evaluated: 2025-02-05. Review status: criteria provided, single submitter. Criteria: PRISM ACMG Classification Criteria. Collection method: clinical testing. Allele origin: germline. Affected: yes.
Comment: Variant is predicted to cause nonsense-mediated decay in a gene where LOF is a known cause of pathogenicity (PVS1). Variant is not found in gnomAD genomes, and homozygous allele count in gnomAD exomes is than 0 (PM2).

PreventionGenetics, part of Exact Sciences
Classification: Likely pathogenic for RCBTB1-related condition. Last evaluated: 2024-12-11. Review status: criteria provided, single submitter. Criteria: ACMG Guidelines, 2015. Collection method: clinical testing. Allele origin: germline.
Comment: The RCBTB1 c.170delG variant is predicted to result in a frameshift and premature protein termination (p.Gly57Glufs*12). This variant has been reported in the compound heterozygous state in an individual with late-onset retinal dystrophy (Huang et al. 2019. PubMed ID: 31494449). This variant is reported in 0.035% of alleles in individuals of East Asian descent in gnomAD. Frameshift variants in RCBTB1 are expected to be pathogenic. This variant is interpreted as likely pathogenic.

Blueprint Genetics
Classification: Pathogenic for RCBTB1-related disorders. Last evaluated: 2020-10-16. Review status: criteria provided, single submitter. Criteria: ACMG Guidelines, 2015. Collection method: clinical testing. Allele origin: germline. Affected: yes. Observed: 1 variant allele.

Literature cited by the submitters: PubMed 31494449 (cited by Labcorp Genetics (formerly Invitae), Labcorp).

NM_018191.4(RCBTB1):c.170del (p.Gly57fs)

Gene: RCBTB1 (RCC1 and BTB domain containing protein 1; minus strand). Cytogenetic location: 13q14.2.
Variant type: Deletion.
Coding change: c.170del on transcript NM_018191.4 (MANE Select); coding-DNA position 170, one base deleted (G; older notation c.170delG).
Protein change: p.Gly57fs; shifts the reading frame from glycine 57.
Molecular consequence: frameshift variant. On other transcripts: 5 prime UTR variant (1), non-coding transcript variant (2).
Genome position (GRCh38, 1-based): chr13:49,566,725, C deleted on the plus strand (G on the coding strand, the reverse complement: RCBTB1 is on the minus strand); the first of 2 consecutive C bases (chr13:49,566,725-49,566,726); deleting either gives the same sequence. VCF-style (leftmost placement, unchanged base first): chr13-49566724-TC-T. GRCh37 (hg19) VCF-style: chr13-50140860-TC-T.
Other names: c.170delG (NM_018191.3); c.170del, p.Gly57fs (NM_001352500.2, NM_001352501.2, NM_001352502.2 and 3 more transcripts); c.-440del (NM_001352506.2); short protein forms G57fs.
Identifiers: ClinVar variation 840798 (VCV000840798.12), dbSNP rs767690421, ClinGen allele CA6982968.